The following is an entry in ClinVar:

ClinVar aggregate classification (germline): Benign. Review status: criteria provided, single submitter (1 of 4 stars). 2 submissions from 2 submitters: Benign (1). 1 of the submissions does not count toward it. Last evaluated 2025-05-27.

Conditions:
CYP51A1-related disorder. Also called: CYP51A1-related condition.

Allele frequency attached by ClinVar (database versions not stated): 1000 Genomes Project 30x 0.00109; ESP Exome Variant Server 0.00115; 1000 Genomes Project 0.00100.
gnomAD v4.1: 302 of 1,611,840 alleles (0.019%); highest among the groups gnomAD compares: African/African-American, 0.38%; 1 homozygote.

Submissions (2):

Labcorp Genetics (formerly Invitae), Labcorp
Classification: Benign. Last evaluated: 2025-05-27. Review status: criteria provided, single submitter. Criteria: Invitae Variant Classification Sherloc (09022015). Collection method: clinical testing. Allele origin: germline.

PreventionGenetics, part of Exact Sciences
Classification: Likely benign for CYP51A1-related condition. Last evaluated: 2019-03-19. Review status: no assertion criteria provided. Collection method: clinical testing. Allele origin: germline. Not counted in ClinVar's aggregate classification.
Comment: This variant is classified as likely benign based on ACMG/AMP sequence variant interpretation guidelines (Richards et al. 2015 PMID: 25741868, with internal and published modifications).

NM_000786.4(CYP51A1):c.1491T>C (p.Pro497=)

Gene: CYP51A1 (cytochrome P450 family 51 subfamily A member 1; minus strand). Cytogenetic location: 7q21.2.
Variant type: single nucleotide variant.
Coding change: c.1491T>C on transcript NM_000786.4 (MANE Select); coding-DNA position 1491, T replaced by C.
Protein change: p.Pro497=; no amino-acid change (proline 497 retained).
Molecular consequence: synonymous variant.
Genome position (GRCh38, 1-based): chr7:92,113,704, A>G on the plus strand (T>C on the coding strand, the complement: CYP51A1 is on the minus strand). VCF-style: chr7-92113704-A-G. GRCh37 (hg19) VCF-style: chr7-91743018-A-G.
Other names: c.1176T>C, p.Pro392= (NM_001146152.2).
Identifiers: ClinVar variation 3039897 (VCV003039897.3), dbSNP rs139310937, ClinGen allele CA4338315.